The following is an entry in ClinVar:

ClinVar aggregate classification (germline): Uncertain significance (1 of 4 stars; one submission).

Conditions:
Fanconi anemia (FA). Also called: Fanconi's anemia. Identifiers: Orphanet 84, MedGen C0015625, MeSH D005199, MONDO:0019391.

gnomAD v4.1: 2 of 1,613,800 alleles (0.00012%); highest among the groups gnomAD compares: Non-Finnish European, 0.00017%; no homozygotes.

Submission:

Labcorp Genetics (formerly Invitae), Labcorp
Classification: Uncertain significance for Fanconi anemia. Last evaluated: 2021-08-30. Review status: criteria provided, single submitter. Criteria: Invitae Variant Classification Sherloc (09022015). Collection method: clinical testing. Allele origin: germline.
Comment: This sequence change replaces proline with histidine at codon 505 of the FANCI protein (p.Pro505His). The proline residue is highly conserved and there is a moderate physicochemical difference between proline and histidine. This variant is not present in population databases (ExAC no frequency). This variant has not been reported in the literature in individuals affected with FANCI-related conditions. Algorithms developed to predict the effect of missense changes on protein structure and function (SIFT, PolyPhen-2, Align-GVGD) all suggest that this variant is likely to be disruptive. In summary, the available evidence is currently insufficient to determine the role of this variant in disease. Therefore, it has been classified as a Variant of Uncertain Significance.

NM_001113378.2(FANCI):c.1514C>A (p.Pro505His)

Gene: FANCI (FA complementation group I; plus strand). Cytogenetic location: 15q26.1.
Variant type: single nucleotide variant.
Coding change: c.1514C>A on transcript NM_001113378.2 (MANE Select); coding-DNA position 1514, C replaced by A.
Protein change: p.Pro505His; replaces proline 505 with histidine.
Molecular consequence: missense variant.
Genome position (GRCh38, 1-based): chr15:89,281,766, C>A. VCF-style: chr15-89281766-C-A. GRCh37 (hg19) VCF-style: chr15-89824997-C-A.
Other names: c.1235C>A, p.Pro412His (NM_001376910.1); c.1514C>A, p.Pro505His (NM_001376911.1, NM_018193.3); short protein forms P505H, P412H.
Identifiers: ClinVar variation 1350564 (VCV001350564.5), dbSNP rs773105092, ClinGen allele CA274560871.